The following is an entry in ClinVar:

ClinVar aggregate classification (germline): Uncertain significance. Review status: criteria provided, multiple submitters, no conflicts (2 of 4 stars). 2 submissions from 2 submitters: Uncertain significance (2). Last evaluated 2025-12-15.

Conditions:
Microcephaly, normal intelligence and immunodeficiency (NBS). Also called: Immunodeficiency, microcephaly with normal intelligence; SEEMANOVA SYNDROME II; IMMUNODEFICIENCY, MICROCEPHALY, AND CHROMOSOMAL INSTABILITY; BERLIN BREAKAGE SYNDROME; Nijmegen breakage syndrome; Microcephaly with normal intelligence immunodeficiency and lymphoreticular malignancies. Identifiers: Orphanet 647, MedGen C0398791, MONDO:0009623, OMIM 251260.
Hereditary cancer-predisposing syndrome. Also called: Neoplastic Syndromes, Hereditary; Tumor predisposition; Hereditary neoplastic syndrome; Hereditary Cancer Syndrome. Identifiers: Orphanet 140162, MedGen C0027672, MeSH D009386, MONDO:0015356.

Submissions (2):

Ambry Genetics
Classification: Uncertain significance for Hereditary cancer-predisposing syndrome. Last evaluated: 2025-12-15. Review status: criteria provided, single submitter. Criteria: Ambry Variant Classification Scheme 2023. Collection method: clinical testing. Allele origin: germline.
Comment: The p.A8V variant (also known as c.23C>T), located in coding exon 1 of the NBN gene, results from a C to T substitution at nucleotide position 23. The alanine at codon 8 is replaced by valine, an amino acid with similar properties. This amino acid position is conserved. In addition, this alteration is predicted to be tolerated by in silico analysis. Since supporting evidence is limited at this time, the clinical significance of this alteration remains unclear.

Labcorp Genetics (formerly Invitae), Labcorp
Classification: Uncertain significance for Microcephaly, normal intelligence and immunodeficiency. Last evaluated: 2024-04-29. Review status: criteria provided, single submitter. Criteria: Invitae Variant Classification Sherloc (09022015). Collection method: clinical testing. Allele origin: germline.
Comment: This sequence change replaces alanine, which is neutral and non-polar, with valine, which is neutral and non-polar, at codon 8 of the NBN protein (p.Ala8Val). This variant is not present in population databases (gnomAD no frequency). This variant has not been reported in the literature in individuals affected with NBN-related conditions. ClinVar contains an entry for this variant (Variation ID: 411746). An algorithm developed to predict the effect of missense changes on protein structure and function (PolyPhen-2) suggests that this variant is likely to be tolerated. In summary, the available evidence is currently insufficient to determine the role of this variant in disease. Therefore, it has been classified as a Variant of Uncertain Significance.

NM_002485.5(NBN):c.23C>T (p.Ala8Val)

Gene: NBN (nibrin; minus strand). Cytogenetic location: 8q21.3.
Variant type: single nucleotide variant.
Coding change: c.23C>T on transcript NM_002485.5 (MANE Select); coding-DNA position 23, C replaced by T.
Protein change: p.Ala8Val; replaces alanine 8 with valine.
Molecular consequence: missense variant. On other transcripts: 5 prime UTR variant (1).
Genome position (GRCh38, 1-based): chr8:89,984,539, G>A on the plus strand (C>T on the coding strand, the complement: NBN is on the minus strand). VCF-style: chr8-89984539-G-A. GRCh37 (hg19) VCF-style: chr8-90996767-G-A.
Other names: c.-274C>T (NM_001024688.3); short protein forms A8V.
Identifiers: ClinVar variation 411746 (VCV000411746.16), dbSNP rs1060503459, ClinGen allele CA16612557.